The following is an entry in ClinVar:

NM_000553.6(WRN):c.3641C>T (p.Pro1214Leu)

Gene: WRN (WRN RecQ like helicase; plus strand). Cytogenetic location: 8p12.
Variant type: single nucleotide variant.
Coding change: c.3641C>T on transcript NM_000553.6 (MANE Select); coding-DNA position 3641, C replaced by T.
Protein change: p.Pro1214Leu; replaces proline 1214 with leucine.
Molecular consequence: missense variant.
Genome position (GRCh38, 1-based): chr8:31,150,409, C>T. VCF-style: chr8-31150409-C-T. GRCh37 (hg19) VCF-style: chr8-31007925-C-T.
Other names: short protein forms P1214L.
Identifiers: ClinVar variation 1014261 (VCV001014261.5), dbSNP rs1803076066, ClinGen allele CA370927870.

ClinVar aggregate classification (germline): Uncertain significance (1 of 4 stars; one submission).

Conditions:
Werner syndrome (WRN). Identifiers: Orphanet 902, MedGen C0043119, MONDO:0010196, OMIM 277700.

Allele frequency attached by ClinVar (database versions not stated): gnomAD exomes below 0.00001.

Submission:

Labcorp Genetics (formerly Invitae), Labcorp
Classification: Uncertain significance for Werner syndrome. Last evaluated: 2021-09-07. Review status: criteria provided, single submitter. Criteria: Invitae Variant Classification Sherloc (09022015). Collection method: clinical testing. Allele origin: germline.
Comment: This sequence change replaces proline with leucine at codon 1214 of the WRN protein (p.Pro1214Leu). The proline residue is moderately conserved and there is a moderate physicochemical difference between proline and leucine. This variant is not present in population databases (ExAC no frequency). This variant has not been reported in the literature in individuals affected with WRN-related conditions. Algorithms developed to predict the effect of missense changes on protein structure and function are either unavailable or do not agree on the potential impact of this missense change (SIFT: "Not Available"; PolyPhen-2: "Possibly Damaging"; Align-GVGD: "Not Available"). In summary, the available evidence is currently insufficient to determine the role of this variant in disease. Therefore, it has been classified as a Variant of Uncertain Significance.